The following is an entry in ClinVar:

NM_007055.4(POLR3A):c.1572+1G>A

Gene: POLR3A (RNA polymerase III subunit A; minus strand). Cytogenetic location: 10q22.3.
Variant type: single nucleotide variant.
Coding change: c.1572+1G>A on transcript NM_007055.4 (MANE Select); the canonical splice donor site of the intron after coding-DNA position 1572, G replaced by A.
Molecular consequence: splice donor variant.
Genome position (GRCh38, 1-based): chr10:78,013,649, C>T on the plus strand (G>A on the coding strand, the complement: POLR3A is on the minus strand). VCF-style: chr10-78013649-C-T. GRCh37 (hg19) VCF-style: chr10-79773407-C-T.
Identifiers: ClinVar variation 619037 (VCV000619037.9), dbSNP rs141484643, ClinGen allele CA5571420.

ClinVar aggregate classification (germline): Pathogenic/Likely pathogenic. Review status: criteria provided, multiple submitters, no conflicts (2 of 4 stars). 4 submissions from 4 submitters: Pathogenic (2); Likely pathogenic (1). 1 of the submissions does not count toward it. Last evaluated 2025-11-08.

Conditions:
Neonatal pseudo-hydrocephalic progeroid syndrome. Also called: Wiedemann-Rautenstrauch syndrome. Identifiers: Orphanet 3455, MedGen C0406586, MONDO:0009910, OMIM 264090.
Leukodystrophy, hypomyelinating, 7, with or without oligodontia and/or hypogonadotropic hypogonadism (HLD7). Also called: LEUKODYSTROPHY, HYPOMYELINATING, 7, WITH OLIGODONTIA; LEUKOENCEPHALOPATHY, HYPOMYELINATING, WITH ATAXIA AND DELAYED DENTITION; ATAXIA, DELAYED DENTITION, AND HYPOMYELINATION; Ataxia, Delayed Dentition and Hypomyelination (ADDH); LEUKODYSTROPHY, HYPOMYELINATING, 7, WITH OLIGODONTIA AND HYPOGONADOTROPIC HYPOGONADISM; LEUKODYSTROPHY, HYPOMYELINATING, 7, WITHOUT OLIGODONTIA OR HYPOGONADOTROPIC HYPOGONADISM. Identifiers: Orphanet 137639, Orphanet 447893, Orphanet 447896, Orphanet 77295, Orphanet 88637, MedGen CN034185, MONDO:0011897, OMIM 607694.

Allele frequency attached by ClinVar (database versions not stated): TOPMed 0.00001; gnomAD 0.00003; ESP Exome Variant Server 0.00008.
gnomAD v4.1: 7 of 1,613,852 alleles (0.00043%); highest among the groups gnomAD compares: Non-Finnish European, 0.00059%; no homozygotes.

Submissions (4):

GeneDx
Classification: Pathogenic. Last evaluated: 2025-11-08. Review status: criteria provided, single submitter. Criteria: GeneDx Variant Classification Process June 2021. Collection method: clinical testing. Allele origin: germline. Affected: yes.
Comment: Canonical splice site variant predicted to result in an in-frame loss of the adjacent exon in a gene for which loss of function is a known mechanism of disease; Not observed at significant frequency in large population cohorts (gnomAD); This variant is associated with the following publications: (PMID: 30414627)

Broad Center for Mendelian Genomics, Broad Institute of MIT and Harvard
Classification: Likely pathogenic for Leukodystrophy, hypomyelinating, 7, with or without oligodontia and/or hypogonadotropic hypogonadism. Last evaluated: 2023-01-24. Review status: criteria provided, single submitter. Criteria: ACMG Guidelines, 2015. Collection method: curation. Allele origin: germline. Inheritance: Autosomal recessive inheritance.
Comment: The c.1572+1G>A variant in POLR3A has been reported in 1 individual, in the compound heterozygous state, with POLR3A-related disorders (PMID: 30414627), and has been identified in 0.002% (2/129028) of European (non-Finnish) chromosomes by the Genome Aggregation Database (gnomAD; dbSNP ID: rs141484643). Although this variant has been seen in the general population in a heterozygous state, its frequency is low enough to be consistent with a recessive carrier frequency. This variant has also been reported in ClinVar (Variation ID#: 619037) and has been interpreted as pathogenic or likely pathogenic by Cole/Wambach Lab (Washington University in St. Louis), GeneDx, and University of Washington Center for Mendelian Genomics (University of Washington). This variant is located in the 3' splice region. Computational tools predict a splicing impact, though this information is not predictive enough to determine pathogenicity. This variant is adjacent to an in-frame exon and is more likely to escape nonsense mediated decay (NMD) and result in a truncated protein. In summary, although additional studies are required to fully establish its clinical significance, this variant is likely pathogenic for autosomal recessive POLR3A-related disorders. ACMG/AMP Criteria applied: PVS1_moderate, PM2, PM3 (Richards 2015).

Cole/Wambach Lab, Washington University in St. Louis
Classification: Pathogenic for Neonatal pseudo-hydrocephalic progeroid syndrome. Last evaluated: 2018-10-01. Review status: criteria provided, single submitter. Criteria: ACMG Guidelines, 2015. Collection method: research. Allele origin: inherited. Affected: yes. Observed: 1 variant allele.
Comment: in trans with c.3337-5T>A

University of Washington Center for Mendelian Genomics, University of Washington
Classification: Likely pathogenic for Wiedemann-Rautenstrauch Syndrome. Review status: no assertion criteria provided. Collection method: research. Allele origin: inherited. Affected: yes. Not counted in ClinVar's aggregate classification.

Literature cited by the submitters: PubMed 30414627 (cited by Cole/Wambach Lab, Washington University in St. Louis and University of Washington Center for Mendelian Genomics, University of Washington).